The following is an entry in ClinVar:

NM_001351132.2(PEX5):c.1489C>A (p.Leu497Ile)

Gene: PEX5 (peroxisomal biogenesis factor 5; plus strand). Cytogenetic location: 12p13.31.
Variant type: single nucleotide variant.
Coding change: c.1489C>A on transcript NM_001351132.2 (MANE Select); coding-DNA position 1489, C replaced by A.
Protein change: p.Leu497Ile; replaces leucine 497 with isoleucine.
Molecular consequence: missense variant.
Genome position (GRCh38, 1-based): chr12:7,209,099, C>A. VCF-style: chr12-7209099-C-A. GRCh37 (hg19) VCF-style: chr12-7361695-C-A.
Other names: c.1465C>A, p.Leu489Ile (NM_000319.5); c.1534C>A, p.Leu512Ile (NM_001131023.2); c.1378C>A, p.Leu460Ile (NM_001131024.2, NM_001351124.3, NM_001351126.2 and 7 more transcripts); c.1489C>A, p.Leu497Ile (NM_001131025.2, NM_001131026.2, NM_001300789.3 and 4 more transcripts); c.1423C>A, p.Leu475Ile (NM_001351135.3, NM_001351138.2); c.1480C>A, p.Leu494Ile (NM_001351136.2); c.1354C>A, p.Leu452Ile (NM_001351139.2, NM_001351140.2, NM_001374649.2); short protein forms L452I, L497I, L512I, L494I, L460I, L475I, L489I.
Identifiers: ClinVar variation 1482956 (VCV001482956.8), dbSNP rs2136243573, ClinGen allele CA383735315.

ClinVar aggregate classification (germline): Uncertain significance (1 of 4 stars; one submission).

Conditions:
Peroxisome biogenesis disorder 2B (PBD2B). Identifiers: Orphanet 44, MedGen C3550234, MONDO:0008736, OMIM 202370.

Submission:

Labcorp Genetics (formerly Invitae), Labcorp
Classification: Uncertain significance for Peroxisome biogenesis disorder 2B. Last evaluated: 2023-04-05. Review status: criteria provided, single submitter. Criteria: Invitae Variant Classification Sherloc (09022015). Collection method: clinical testing. Allele origin: germline.
Comment: Advanced modeling of protein sequence and biophysical properties (such as structural, functional, and spatial information, amino acid conservation, physicochemical variation, residue mobility, and thermodynamic stability) performed at Invitae indicates that this missense variant is expected to disrupt PEX5 protein function. This sequence change replaces leucine, which is neutral and non-polar, with isoleucine, which is neutral and non-polar, at codon 497 of the PEX5 protein (p.Leu497Ile). This variant is not present in population databases (gnomAD no frequency). This variant has not been reported in the literature in individuals affected with PEX5-related conditions. ClinVar contains an entry for this variant (Variation ID: 1482956). In summary, the available evidence is currently insufficient to determine the role of this variant in disease. Therefore, it has been classified as a Variant of Uncertain Significance.